The following is an entry in ClinVar:

ClinVar aggregate classification (germline): Likely pathogenic (1 of 4 stars; one submission).

Conditions:
Hereditary spastic paraplegia 11. Also called: Spastic paraplegia, mental retardation and thin corpus callosum; SPASTIC PARAPLEGIA, AUTOSOMAL RECESSIVE, COMPLICATED, WITH THIN CORPUS CALLOSUM; SPASTIC PARAPLEGIA, AUTOSOMAL RECESSIVE, WITH MENTAL IMPAIRMENT AND THIN CORPUS CALLOSUM; Spastic Paraplegia 11; Nakamura Osame syndrome; Autosomal recessive hereditary spastic paraplegia, mental impairment, and thin corpus callosum. Identifiers: Orphanet 2822, MedGen C1858479, MONDO:0011445, OMIM 604360.
Charcot-Marie-Tooth disease axonal type 2X. Also called: CHARCOT-MARIE-TOOTH DISEASE, AXONAL, AUTOSOMAL RECESSIVE, TYPE 2X; CHARCOT-MARIE-TOOTH NEUROPATHY, TYPE 2X. Identifiers: Orphanet 466775, MedGen C5569024, MONDO:0014726, OMIM 616668.
Amyotrophic lateral sclerosis type 5 (ALS5). Also called: AMYOTROPHIC LATERAL SCLEROSIS 5, JUVENILE. Identifiers: Orphanet 300605, MedGen C1865864, MONDO:0011196, OMIM 602099.

Submission:

Juno Genomics, Hangzhou Juno Genomics, Inc
Classification: Likely pathogenic for Amyotrophic lateral sclerosis type 5; Charcot-Marie-Tooth disease axonal type 2X; Hereditary spastic paraplegia 11. Review status: criteria provided, single submitter. Criteria: ACMG Guidelines, 2015. Collection method: clinical testing. Allele origin: germline.
Comment: Null variant in a gene where loss of function (LOF) is a known mechanism of disease.;Absent from controls (or at extremely low frequency if recessive) in Genome Aggregation Database.

NM_025137.4(SPG11):c.2688del (p.Ile897fs)

Gene: SPG11 (SPG11 vesicle trafficking associated, spatacsin; minus strand). Cytogenetic location: 15q21.1.
Variant type: Deletion.
Coding change: c.2688del on transcript NM_025137.4 (MANE Select); coding-DNA position 2688, one base deleted (T; older notation c.2688delT).
Protein change: p.Ile897fs; shifts the reading frame from isoleucine 897.
Molecular consequence: frameshift variant.
Genome position (GRCh38, 1-based): chr15:44,620,336, A deleted on the plus strand (T on the coding strand, the reverse complement: SPG11 is on the minus strand); the first of 2 consecutive A bases (chr15:44,620,336-44,620,337); deleting either gives the same sequence. VCF-style (leftmost placement, unchanged base first): chr15-44620335-TA-T. GRCh37 (hg19) VCF-style: chr15-44912533-TA-T.
Other names: c.2688del, p.Ile897fs (NM_001160227.2, NM_001411132.1); short protein forms I897fs.
Identifiers: ClinVar variation 5005409 (VCV005005409.2).
Genomic context (GRCh38, chr15:44,620,335, plus strand): 5'-ATTTGTTCTGCTGAAGTGAAGCATAACTATGCTGGGTTTGAAATTCTCCAATCCATAAGA[TA>T]ATGTTTAACCAATCATGGCGAGCTGTGAGGTATCTCCAGAGGGCTTCAGGGGAATATGAT-3'